The following is an entry in ClinVar:

NM_001393769.1(MED12L):c.3733C>T (p.Arg1245Ter)

Genes: P2RY12 (purinergic receptor P2Y12; minus strand), MED12L (mediator complex subunit 12L; plus strand). Cytogenetic location: 3q25.1.
Variant type: single nucleotide variant.
Coding change: c.3733C>T on transcript NM_001393769.1 (MANE Select); coding-DNA position 3733, C replaced by T.
Protein change: p.Arg1245Ter; replaces arginine 1245 with a stop codon.
Molecular consequence: nonsense. On other transcripts: intron variant (1).
Genome position (GRCh38, 1-based): chr3:151,372,635, C>T. VCF-style: chr3-151372635-C-T. GRCh37 (hg19) VCF-style: chr3-151090423-C-T.
Other names: c.3628C>T, p.Arg1210Ter (NM_053002.6); c.-180+12057G>A (NM_022788.5); short protein forms R1210*, R1245*.
Identifiers: ClinVar variation 985261 (VCV000985261.5), dbSNP rs1756333400, ClinGen allele CA354971639.

ClinVar aggregate classification (germline): Pathogenic/Likely pathogenic. Review status: criteria provided, multiple submitters, no conflicts (2 of 4 stars). 2 submissions from 2 submitters: Pathogenic (1); Likely pathogenic (1). Last evaluated 2024-07-10.

Conditions:
Inborn genetic diseases. Identifiers: MedGen C0950123, MeSH D030342.

Submissions (2):

GeneDx
Classification: Likely pathogenic. Last evaluated: 2024-07-10. Review status: criteria provided, single submitter. Criteria: GeneDx Variant Classification Process June 2021. Collection method: clinical testing. Allele origin: germline. Affected: yes.
Comment: Nonsense variant predicted to result in protein truncation or nonsense mediated decay in a gene for which loss of function is a known mechanism of disease; Not observed at significant frequency in large population cohorts (gnomAD); Has not been previously published as pathogenic or benign to our knowledge

Ambry Genetics
Classification: Pathogenic for Inborn genetic diseases. Last evaluated: 2020-04-16. Review status: criteria provided, single submitter. Criteria: Ambry Variant Classification Scheme 2023. Collection method: clinical testing. Allele origin: germline.
Comment: The alteration results in a premature stop codon: _x000D_ _x000D_ The c.3628C>T (p.R1210*) alteration, located in coding exon 25 of the MED12L gene, results from a C to T substitution at nucleotide position 3628. This changes the amino acid from an arginine (R) to a stop codon at amino acid position 1210. This alteration is expected to result in loss of function by premature protein truncation or nonsense-mediated mRNA decay. The alteration is not observed in population databases: _x000D_ _x000D_ Based on data from the Genome Aggregation Database (gnomAD), the MED12L c.3628C>T alteration was not observed, with coverage at this position. Based on the available evidence, this alteration is classified as pathogenic.